The following is an entry in ClinVar:

NM_005460.4(SNCAIP):c.665C>T (p.Ser222Leu)

Gene: SNCAIP (synuclein alpha interacting protein; plus strand). Cytogenetic location: 5q23.2.
Variant type: single nucleotide variant.
Coding change: c.665C>T on transcript NM_005460.4 (MANE Select); coding-DNA position 665, C replaced by T.
Protein change: p.Ser222Leu; replaces serine 222 with leucine.
Molecular consequence: missense variant. On other transcripts: non-coding transcript variant (1), intron variant (5).
Genome position (GRCh38, 1-based): chr5:122,423,402, C>T. VCF-style: chr5-122423402-C-T. GRCh37 (hg19) VCF-style: chr5-121759097-C-T.
Other names: c.806C>T, p.Ser269Leu (NM_001308100.2); c.665C>T, p.Ser222Leu (NM_001308105.1); c.85-8567C>T (NM_001242935.3, NM_001308107.2); c.85-17227C>T (NM_001308109.2); c.79-8567C>T (NM_001308106.1); c.85-1950C>T (NM_001308108.1); short protein forms S222L, S269L.
Identifiers: ClinVar variation 350488 (VCV000350488.6), dbSNP rs147594642, ClinGen allele CA3384686.

ClinVar aggregate classification (germline): Likely benign. Review status: criteria provided, multiple submitters, no conflicts (2 of 4 stars). 2 submissions from 2 submitters: Likely benign (2). Last evaluated 2018-01-13.

Conditions:
Parkinson Disease, Dominant/Recessive.

Allele frequency attached by ClinVar (database versions not stated): ExAC 0.00080; gnomAD exomes 0.00084 and 0.00130; gnomAD 0.00094 and 0.00103; TOPMed 0.00096; ESP Exome Variant Server 0.00123.
gnomAD v4.1: 2,010 of 1,613,594 alleles (0.12%); highest among the groups gnomAD compares: Non-Finnish European, 0.16%; 1 homozygote.

Submissions (2):

Illumina Laboratory Services, Illumina
Classification: Likely benign for Parkinson Disease, Dominant/Recessive. Last evaluated: 2018-01-13. Review status: criteria provided, single submitter. Criteria: ICSL Variant Classification Criteria 13 December 2019. Collection method: clinical testing. Allele origin: germline.
Comment: This variant was observed in the ICSL laboratory as part of a predisposition screen in an ostensibly healthy population. It had not been previously curated by ICSL or reported in the Human Gene Mutation Database (HGMD: prior to June 1st, 2018), and was therefore a candidate for classification through an automated scoring system. Utilizing variant allele frequency, disease prevalence and penetrance estimates, and inheritance mode, an automated score was calculated to assess if this variant is too frequent to cause the disease. Based on the score and internal cut-off values, a variant classified as likely benign is not then subjected to further curation. The score for this variant resulted in a classification of likely benign for this disease.

Breakthrough Genomics
Classification: Likely benign. Review status: criteria provided, single submitter. Criteria: ACMG Guidelines, 2015. Collection method: not provided. Allele origin: germline. Inheritance: Unknown mechanism. Affected: yes.